The following is an entry in ClinVar:

NM_000257.4(MYH7):c.3250G>T (p.Asp1084Tyr)

Gene: MYH7 (myosin heavy chain 7; minus strand). Cytogenetic location: 14q11.2.
Variant type: single nucleotide variant.
Coding change: c.3250G>T on transcript NM_000257.4 (MANE Select); coding-DNA position 3250, G replaced by T.
Protein change: p.Asp1084Tyr; replaces aspartic acid 1084 with tyrosine.
Molecular consequence: missense variant.
Genome position (GRCh38, 1-based): chr14:23,421,044, C>A on the plus strand (G>T on the coding strand, the complement: MYH7 is on the minus strand). VCF-style: chr14-23421044-C-A. GRCh37 (hg19) VCF-style: chr14-23890253-C-A.
Other names: c.3250G>T, p.Asp1084Tyr (NM_001407004.1); short protein forms D1084Y.
Identifiers: ClinVar variation 4762407 (VCV004762407.1).

ClinVar aggregate classification (germline): Uncertain significance (1 of 4 stars; one submission).

Conditions:
Hypertrophic cardiomyopathy. Also called: HYPERTROPHIC MYOCARDIOPATHY. Identifiers: Orphanet 217569, MedGen C0007194, MeSH D002312, MONDO:0005045, HP:0001639.

Submission:

Labcorp Genetics (formerly Invitae), Labcorp
Classification: Uncertain significance for Hypertrophic cardiomyopathy. Last evaluated: 2025-07-01. Review status: criteria provided, single submitter. Criteria: Invitae Variant Classification Sherloc (09022015). Collection method: clinical testing. Allele origin: germline.
Comment: This sequence change replaces aspartic acid, which is acidic and polar, with tyrosine, which is neutral and polar, at codon 1084 of the MYH7 protein (p.Asp1084Tyr). This variant is not present in population databases (gnomAD no frequency). This variant has not been reported in the literature in individuals affected with MYH7-related conditions. Invitae Evidence Modeling of protein sequence and biophysical properties (such as structural, functional, and spatial information, amino acid conservation, physicochemical variation, residue mobility, and thermodynamic stability) indicates that this missense variant is expected to disrupt MYH7 protein function with a positive predictive value of 95%. In summary, the available evidence is currently insufficient to determine the role of this variant in disease. Therefore, it has been classified as a Variant of Uncertain Significance.